The following is an entry in ClinVar:

ClinVar aggregate classification (germline): Uncertain significance (1 of 4 stars; one submission).

Allele frequency attached by ClinVar (database versions not stated): gnomAD exomes below 0.00001; gnomAD 0.00001; TOPMed 0.00001.

Submission:

Labcorp Genetics (formerly Invitae), Labcorp
Classification: Uncertain significance. Last evaluated: 2022-04-28. Review status: criteria provided, single submitter. Criteria: Invitae Variant Classification Sherloc (09022015). Collection method: clinical testing. Allele origin: germline.
Comment: This sequence change replaces lysine, which is basic and polar, with glutamic acid, which is acidic and polar, at codon 1444 of the COL7A1 protein (p.Lys1444Glu). This variant is not present in population databases (gnomAD no frequency). This variant has not been reported in the literature in individuals affected with COL7A1-related conditions. Advanced modeling of protein sequence and biophysical properties (such as structural, functional, and spatial information, amino acid conservation, physicochemical variation, residue mobility, and thermodynamic stability) performed at Invitae indicates that this missense variant is expected to disrupt COL7A1 protein function. In summary, the available evidence is currently insufficient to determine the role of this variant in disease. Therefore, it has been classified as a Variant of Uncertain Significance.

NM_000094.4(COL7A1):c.4330A>G (p.Lys1444Glu)

Gene: COL7A1 (collagen type VII alpha 1 chain; minus strand). Cytogenetic location: 3p21.31.
Variant type: single nucleotide variant.
Coding change: c.4330A>G on transcript NM_000094.4 (MANE Select); coding-DNA position 4330, A replaced by G.
Protein change: p.Lys1444Glu; replaces lysine 1444 with glutamic acid.
Molecular consequence: missense variant.
Genome position (GRCh38, 1-based): chr3:48,583,729, T>C on the plus strand (A>G on the coding strand, the complement: COL7A1 is on the minus strand). VCF-style: chr3-48583729-T-C. GRCh37 (hg19) VCF-style: chr3-48621162-T-C.
Other names: short protein forms K1444E.
Identifiers: ClinVar variation 1979681 (VCV001979681.1), dbSNP rs1277981732, ClinGen allele CA352693311.